The following is an entry in ClinVar:

NM_000057.4(BLM):c.656A>G (p.Asp219Gly)

Gene: BLM (BLM RecQ like helicase; plus strand). Cytogenetic location: 15q26.1.
Variant type: single nucleotide variant.
Coding change: c.656A>G on transcript NM_000057.4 (MANE Select); coding-DNA position 656, A replaced by G.
Protein change: p.Asp219Gly; replaces aspartic acid 219 with glycine.
Molecular consequence: missense variant. On other transcripts: 5 prime UTR variant (1).
Genome position (GRCh38, 1-based): chr15:90,749,924, A>G. VCF-style: chr15-90749924-A-G. GRCh37 (hg19) VCF-style: chr15-91293154-A-G.
Other names: c.656A>G, p.Asp219Gly (NM_001287246.2, NM_001287247.2); c.-636A>G (NM_001287248.2); short protein forms D219G.
Identifiers: ClinVar variation 840733 (VCV000840733.7), dbSNP rs1246909789, ClinGen allele CA393841267.

ClinVar aggregate classification (germline): Uncertain significance (1 of 4 stars; one submission).

Conditions:
Bloom syndrome (BLM). Also called: Bloom-Torre-Machacek syndrome. Identifiers: Orphanet 125, MedGen C0005859, MONDO:0008876, OMIM 210900.

Allele frequency attached by ClinVar (database versions not stated): gnomAD exomes 0.00001.

Submission:

Labcorp Genetics (formerly Invitae), Labcorp
Classification: Uncertain significance for Bloom syndrome. Last evaluated: 2025-12-24. Review status: criteria provided, single submitter. Criteria: Invitae Variant Classification Sherloc (09022015). Collection method: clinical testing. Allele origin: germline.
Comment: This sequence change replaces aspartic acid, which is acidic and polar, with glycine, which is neutral and non-polar, at codon 219 of the BLM protein (p.Asp219Gly). This variant is present in population databases (no rsID available, gnomAD 0.006%). This variant has not been reported in the literature in individuals affected with BLM-related conditions. ClinVar contains an entry for this variant (Variation ID: 840733). An algorithm developed to predict the effect of missense changes on protein structure and function (PolyPhen-2) suggests that this variant is likely to be tolerated. In summary, the available evidence is currently insufficient to determine the role of this variant in disease. Therefore, it has been classified as a Variant of Uncertain Significance.